The following is an entry in ClinVar:

ClinVar aggregate classification (germline): Uncertain significance (0 of 4 stars; one submission).

Allele frequency attached by ClinVar (database versions not stated): gnomAD exomes below 0.00001.
gnomAD v4.1: 1 of 1,614,130 alleles (0.000062%); highest among the groups gnomAD compares: South Asian, 0.0011%; no homozygotes.

Submission:

Biesecker Lab/Clinical Genomics Section, National Institutes of Health
Classification: Uncertain significance. Last evaluated: 2012-07-13. Review status: no assertion criteria provided. Collection method: research. Allele origin: germline. Affected: no. Observed: 1 variant allele. Study: ClinSeq.
ClinVar note: Converted during submission from variant of unknown significance to Uncertain significance.

NM_000245.4(MET):c.1345G>A (p.Asp449Asn)

Gene: MET (MET proto-oncogene, receptor tyrosine kinase; plus strand). Cytogenetic location: 7q31.2.
Variant type: single nucleotide variant.
Coding change: c.1345G>A on transcript NM_000245.4 (MANE Select); coding-DNA position 1345, G replaced by A.
Protein change: p.Asp449Asn; replaces aspartic acid 449 with asparagine.
Molecular consequence: missense variant.
Genome position (GRCh38, 1-based): chr7:116,731,812, G>A. VCF-style: chr7-116731812-G-A. GRCh37 (hg19) VCF-style: chr7-116371866-G-A.
Other names: c.1345G>A, p.Asp449Asn (NM_001127500.3, NM_001324401.3); c.55G>A, p.Asp19Asn (NM_001324402.2); short protein forms D449N, D19N.
Identifiers: ClinVar variation 41618 (VCV000041618.2), dbSNP rs200819547, ClinGen allele CA215640.